The following is an entry in ClinVar:

ClinVar aggregate classification (germline): Likely pathogenic (1 of 4 stars; one submission).

Conditions:
Familial hemophagocytic lymphohistiocytosis 3 (FHL3). Also called: UNC13D-Related Familial Hemophagocytic Lymphohistiocytosis (UNC13D-fHLH). Identifiers: Orphanet 540, MedGen C1837174, MONDO:0012146, OMIM 608898.

gnomAD v4.1: 3 of 1,613,730 alleles (0.00019%); highest among the groups gnomAD compares: Non-Finnish European, 0.00017%; no homozygotes.

Submission:

Kasturba Medical College, Manipal, Kasturba Medical College, Manipal, Manipal Academy of Higher Education, Manipal, India
Classification: Likely pathogenic for Familial hemophagocytic lymphohistiocytosis 3. Review status: criteria provided, single submitter. Criteria: ACMG Guidelines, 2015. Collection method: research. Allele origin: biparental. Inheritance: Autosomal recessive inheritance. Affected: yes. Observed: 1 homozygote.
Comment: This variant was observed in three individuals in the heterozygous state and absent in homozygous state in gnomAD (v4.1.0). This variant is absent in our in-house database of 3536 exomes. This canonical splice-site variant is predicted to cause aberrant splicing which can either lead to nonsense mediated mRNA decay or formation of a truncated protein product.

NM_199242.3(UNC13D):c.2625+2T>C

Gene: UNC13D (unc-13 homolog D; minus strand). Cytogenetic location: 17q25.1.
Variant type: single nucleotide variant.
Coding change: c.2625+2T>C on transcript NM_199242.3 (MANE Select); the canonical splice donor site of the intron after coding-DNA position 2625, T replaced by C.
Molecular consequence: splice donor variant.
Genome position (GRCh38, 1-based): chr17:75,831,096, A>G on the plus strand (T>C on the coding strand, the complement: UNC13D is on the minus strand). VCF-style: chr17-75831096-A-G. GRCh37 (hg19) VCF-style: chr17-73827177-A-G.
Identifiers: ClinVar variation 3775093 (VCV003775093.1).
Genomic context (GRCh38, chr17:75,831,096, plus strand): 5'-GGTGAGTGCCAAAAGGCAGGCTCCCCAGACTTCCTACGGGGAAGCTCACCCAAAGCCCCT[A>G]CCTGGAAGGTGGCAGTGTGCAGGGCCTTGGGTGGCAGGCCACAGCCCTCAGCGTGGAAGC-3'